The following is an entry in ClinVar:

NM_198586.3(NHLRC1):c.224G>C (p.Cys75Ser)

Gene: NHLRC1 (NHL repeat containing E3 ubiquitin protein ligase 1; minus strand). Cytogenetic location: 6p22.3.
Variant type: single nucleotide variant.
Coding change: c.224G>C on transcript NM_198586.3 (MANE Select); coding-DNA position 224, G replaced by C.
Protein change: p.Cys75Ser; replaces cysteine 75 with serine.
Molecular consequence: missense variant.
Genome position (GRCh38, 1-based): chr6:18,122,383, C>G on the plus strand (G>C on the coding strand, the complement: NHLRC1 is on the minus strand). VCF-style: chr6-18122383-C-G. GRCh37 (hg19) VCF-style: chr6-18122614-C-G.
Other names: short protein forms C75S.
Identifiers: ClinVar variation 2684189 (VCV002684189.2), dbSNP rs893057832, ClinGen allele CA134960082.

ClinVar aggregate classification (germline): Uncertain significance. Review status: criteria provided, multiple submitters, no conflicts (2 of 4 stars). 2 submissions from 2 submitters: Uncertain significance (2). Last evaluated 2025-09-15.

Conditions:
Lafora disease. Also called: Epilepsy progressive myoclonic 2; Progressive Myoclonus Epilepsy, Lafora Type. Identifiers: Orphanet 501, MedGen C0751783, MONDO:0009697.

Allele frequency attached by ClinVar (database versions not stated): gnomAD 0.00001; gnomAD exomes 0.00001; TOPMed 0.00001.

Submissions (2):

Labcorp Genetics (formerly Invitae), Labcorp
Classification: Uncertain significance for Lafora disease. Last evaluated: 2025-09-15. Review status: criteria provided, single submitter. Criteria: Invitae Variant Classification Sherloc (09022015). Collection method: clinical testing. Allele origin: germline.
Comment: This sequence change replaces cysteine, which is neutral and slightly polar, with serine, which is neutral and polar, at codon 75 of the NHLRC1 protein (p.Cys75Ser). This variant is present in population databases (no rsID available, gnomAD 0.001%). This variant has not been reported in the literature in individuals affected with NHLRC1-related conditions. ClinVar contains an entry for this variant (Variation ID: 2684189). Invitae Evidence Modeling of protein sequence and biophysical properties (such as structural, functional, and spatial information, amino acid conservation, physicochemical variation, residue mobility, and thermodynamic stability) has been performed for this missense variant. However, the output from this modeling did not meet the statistical confidence thresholds required to predict the impact of this variant on NHLRC1 protein function. In summary, the available evidence is currently insufficient to determine the role of this variant in disease. Therefore, it has been classified as a Variant of Uncertain Significance.

Athena Diagnostics
Classification: Uncertain significance. Last evaluated: 2022-12-23. Review status: criteria provided, single submitter. Criteria: Athena Diagnostics Criteria. Collection method: clinical testing. Allele origin: unknown.
Comment: Available data are insufficient to determine the clinical significance of the variant at this time. The frequency of this variant in the general population is uninformative in assessment of its pathogenicity. Computational tools disagree on the variant's effect on normal protein function.